The following is an entry in ClinVar:

ClinVar aggregate classification (germline): Benign/Likely benign. Review status: criteria provided, multiple submitters, no conflicts (2 of 4 stars). 5 submissions from 5 submitters: Benign (4); Likely benign (1). Last evaluated 2026-01-28.

Conditions:
Dubin-Johnson syndrome (DJS). Also called: HYPERBILIRUBINEMIA, DUBIN-JOHNSON TYPE; Hyperbilirubinemia type 2; Jaundice, Chronic Idiopathic. Identifiers: Orphanet 234, MedGen C0022350, MONDO:0009380, OMIM 237500.

Allele frequency attached by ClinVar (database versions not stated): 1000 Genomes Project 0.00339; 1000 Genomes Project 30x 0.00344; ExAC 0.00771; gnomAD exomes 0.00776 and 0.01352; TOPMed 0.00811; gnomAD 0.00842 and 0.00860; ESP Exome Variant Server 0.01038.
gnomAD v4.1: 20,817 of 1,614,068 alleles (1.3%); highest among the groups gnomAD compares: Non-Finnish European, 1.6%; 168 homozygotes.

Submissions (5):

Labcorp Genetics (formerly Invitae), Labcorp
Classification: Benign. Last evaluated: 2026-01-28. Review status: criteria provided, single submitter. Criteria: Invitae Variant Classification Sherloc (09022015). Collection method: clinical testing. Allele origin: germline.

Mayo Clinic Laboratories, Mayo Clinic
Classification: Likely benign. Last evaluated: 2024-11-08. Review status: criteria provided, single submitter. Criteria: ACMG Guidelines, 2015. Collection method: clinical testing. Allele origin: germline. Observed: 9 variant alleles.
Comment: BS1, BP4

CeGaT Center for Human Genetics Tuebingen
Classification: Benign. Last evaluated: 2024-07-01. Review status: criteria provided, single submitter. Criteria: CeGaT Center For Human Genetics Tuebingen Variant Classification Criteria Version 2. Collection method: clinical testing. Allele origin: germline. Affected: yes. Observed: 1 variant allele.
Comment: ABCC2: BP4, BS1, BS2

Illumina Laboratory Services, Illumina
Classification: Benign for Dubin-Johnson syndrome. Last evaluated: 2017-05-08. Review status: criteria provided, single submitter. Criteria: ICSL Variant Classification Criteria 13 December 2019. Collection method: clinical testing. Allele origin: germline.
Comment: This variant was observed as part of a predisposition screen in an ostensibly healthy population. A literature search was performed for the gene, cDNA change, and amino acid change (where applicable). Publications were found based on this search. The evidence from the literature, in combination with allele frequency data from public databases where available, was sufficient to rule this variant out of causing disease. Therefore, this variant is classified as benign.

Breakthrough Genomics
Classification: Benign. Review status: criteria provided, single submitter. Criteria: ACMG Guidelines, 2015. Collection method: not provided. Allele origin: germline. Inheritance: Autosomal recessive inheritance. Affected: yes.

Literature cited by the submitters: PubMed 22290738 (cited by Mayo Clinic Laboratories, Mayo Clinic and Illumina Laboratory Services, Illumina); PubMed 22695893 (cited by Mayo Clinic Laboratories, Mayo Clinic); PubMed 37369012 (cited by Mayo Clinic Laboratories, Mayo Clinic).

NM_000392.5(ABCC2):c.2761G>A (p.Gly921Ser)

Genes: ABCC2 (ATP binding cassette subfamily C member 2; plus strand), LOC126861012 (BRD4-independent group 4 enhancer GRCh37_chr10:101589748-101590947; plus strand). Cytogenetic location: 10q24.2.
Variant type: single nucleotide variant.
Coding change: c.2761G>A on transcript NM_000392.5 (MANE Select); coding-DNA position 2761, G replaced by A.
Protein change: p.Gly921Ser; replaces glycine 921 with serine.
Molecular consequence: missense variant.
Genome position (GRCh38, 1-based): chr10:99,830,729, G>A. VCF-style: chr10-99830729-G-A. GRCh37 (hg19) VCF-style: chr10-101590486-G-A.
Other names: p.Gly921Ser; short protein forms G921S.
Identifiers: ClinVar variation 773519 (VCV000773519.32), dbSNP rs41318029, ClinGen allele CA5643602.
Genomic context (GRCh38, chr10:99,830,729, plus strand): 5'-GACCCTTGGGAATTGCCTGCATGCTCAGGGAAGCTTCCCTCTCTCAGTTCTAGGTCCAAT[G>A]GCAGGCATCTGAAGTCCCTGAGAAACTCCTTGAAAACTCGGAATGTGAATAGCCTGAAGG-3'
Protein context (NP_000383.2, residues 911-931): RTLSRSSRSN[Gly921Ser]RHLKSLRNSL